The following is an entry in ClinVar:

ClinVar aggregate classification (germline): Likely benign (0 of 4 stars; one submission).

Conditions:
ZNF462-related disorder. Also called: ZNF462-related condition; ZNF462 related disease.

Allele frequency attached by ClinVar (database versions not stated): gnomAD exomes 0.00007; ExAC 0.00010; ESP Exome Variant Server 0.00015; TOPMed 0.00024; gnomAD 0.00026.
gnomAD v4.1: 139 of 1,613,994 alleles (0.0086%); highest among the groups gnomAD compares: African/African-American, 0.083%; no homozygotes.

Submission:

PreventionGenetics, part of Exact Sciences
Classification: Likely benign for ZNF462-related condition. Last evaluated: 2020-12-24. Review status: no assertion criteria provided. Collection method: clinical testing. Allele origin: germline.
Comment: This variant is classified as likely benign based on ACMG/AMP sequence variant interpretation guidelines (Richards et al. 2015 PMID: 25741868, with internal and published modifications).

NM_021224.6(ZNF462):c.4725C>T (p.Gly1575=)

Gene: ZNF462 (zinc finger protein 462; plus strand). Cytogenetic location: 9q31.2.
Variant type: single nucleotide variant.
Coding change: c.4725C>T on transcript NM_021224.6 (MANE Select); coding-DNA position 4725, C replaced by T.
Protein change: p.Gly1575=; no amino-acid change (glycine 1575 retained).
Molecular consequence: synonymous variant. On other transcripts: intron variant (1).
Genome position (GRCh38, 1-based): chr9:106,928,637, C>T. VCF-style: chr9-106928637-C-T. GRCh37 (hg19) VCF-style: chr9-109690918-C-T.
Other names: c.3252+1473C>T (NM_001347997.2).
Identifiers: ClinVar variation 3031736 (VCV003031736.2), dbSNP rs375972762, ClinGen allele CA5171867.
Genomic context (GRCh38, chr9:106,928,637, plus strand): 5'-TGCTGACATATCCCAGAATGACGTGGAGGAGACGAGCAGGATCTTCAAGCAAGGGTATGG[C>T]GCCTACCGGTGCAAACTGTGTCCGTACACACACGGCACTTTGGAGAAACTAAAAATCCAC-3'
Protein context (NP_067047.4, residues 1565-1585): ETSRIFKQGY[Gly1575=]AYRCKLCPYT